The following is an entry in ClinVar:

ClinVar aggregate classification (germline): Uncertain significance (1 of 4 stars; one submission).

Submission:

Labcorp Genetics (formerly Invitae), Labcorp
Classification: Uncertain significance. Last evaluated: 2022-08-22. Review status: criteria provided, single submitter. Criteria: Invitae Variant Classification Sherloc (09022015). Collection method: clinical testing. Allele origin: germline.
Comment: In summary, the available evidence is currently insufficient to determine the role of this variant in disease. Therefore, it has been classified as a Variant of Uncertain Significance. Algorithms developed to predict the effect of missense changes on protein structure and function are either unavailable or do not agree on the potential impact of this missense change (SIFT: "Not Available"; PolyPhen-2: "Benign"; Align-GVGD: "Not Available"). This variant has not been reported in the literature in individuals affected with TRIOBP-related conditions. Information on the frequency of this variant in the gnomAD database is not available, as this variant may be reported differently in the database. This sequence change replaces alanine, which is neutral and non-polar, with isoleucine, which is neutral and non-polar, at codon 544 of the TRIOBP protein (p.Ala544Ile).

NM_001039141.3(TRIOBP):c.1630_1631delinsAT (p.Ala544Ile)

Gene: TRIOBP (TRIO and F-actin binding protein; plus strand). Cytogenetic location: 22q13.1.
Variant type: Indel.
Coding change: c.1630_1631delinsAT on transcript NM_001039141.3 (MANE Select); coding-DNA positions 1630 to 1631, GC replaced by AT.
Protein change: p.Ala544Ile; replaces alanine 544 with isoleucine.
Molecular consequence: missense variant.
Genome position (GRCh38, 1-based): chr22:37,724,186-37,724,187, GC replaced by AT. VCF-style: chr22-37724186-GC-AT. GRCh37 (hg19) VCF-style: chr22-38120193-GC-AT.
Other names: short protein forms A544I.
Identifiers: ClinVar variation 2029102 (VCV002029102.4), dbSNP rs2518173193, ClinGen allele CA2580099806.